The following is an entry in ClinVar:

ClinVar aggregate classification (germline): Uncertain significance. Review status: criteria provided, multiple submitters, no conflicts (2 of 4 stars). 7 submissions from 7 submitters: Uncertain significance (4). 3 of the submissions do not count toward it. Last evaluated 2024-08-20.

Conditions:
Sandhoff disease. Also called: Beta-hexosaminidase-beta-subunit deficiency; GM2 gangliosidosis, type 2; Total hexosaminidase deficiency; Sandhoff-Jatzkewitz-Pilz disease; GM2-GANGLIOSIDOSIS, TYPE II; HEXOSAMINIDASES A AND B DEFICIENCY. Identifiers: Orphanet 796, MedGen C0036161, MONDO:0010006, OMIM 268800.
Sandhoff disease, juvenile form. Also called: Subacute Juvenile Sandhoff Disease; Sandhoff disease, juvenile type. Identifiers: Orphanet 309162, MedGen C0751491, MONDO:0017722.

Allele frequency attached by ClinVar (database versions not stated): gnomAD 0.00004; ExAC 0.00006; TOPMed 0.00008; gnomAD exomes 0.00009; 1000 Genomes Project 30x 0.00016; 1000 Genomes Project 0.00020.
gnomAD v4.1: 76 of 1,614,136 alleles (0.0047%); highest among the groups gnomAD compares: Admixed American, 0.038%; no homozygotes.

Submissions (7):

Women's Health and Genetics/Laboratory Corporation of America, LabCorp
Classification: Uncertain significance. Last evaluated: 2024-08-20. Review status: criteria provided, single submitter. Criteria: LabCorp Variant Classification Summary - May 2015. Collection method: clinical testing. Allele origin: germline.
Comment: Variant summary: HEXB c.1367A>C (p.Tyr456Ser) results in a non-conservative amino acid change located in the Glycoside hydrolase family 20, catalytic domain of the encoded protein sequence. Four of five in-silico tools predict a damaging effect of the variant on protein function. The variant allele was found at a frequency of 8.8e-05 in 251424 control chromosomes. This frequency is not significantly higher than estimated for a pathogenic variant in HEXB causing Sandhoff Disease (8.8e-05 vs 0.0015), allowing no conclusion about variant significance. c.1367A>C has been reported in the literature in one individual affected with Sandhoff Disease (Banerjee_1991) and one individual with cerebellar ataxias (Mallaret_2016). These data do not allow any conclusion about variant significance. One functional study showed that this variant led to non-expression of HEXB protein (Banerjee_1994), however, another study showed that this variant did not affect expression or dimer formation of HEXA and HEXB (Yamada_2013). The following publications have been ascertained in the context of this evaluation (PMID: 23127958, 1720305, 8106452, 27142713). ClinVar contains an entry for this variant (Variation ID: 3877). Based on the evidence outlined above, the variant was classified as uncertain significance.

GeneDx
Classification: Uncertain significance. Last evaluated: 2023-09-24. Review status: criteria provided, single submitter. Criteria: GeneDx Variant Classification Process June 2021. Collection method: clinical testing. Allele origin: germline. Affected: yes.
Comment: In silico analysis supports that this missense variant has a deleterious effect on protein structure/function; This variant is associated with the following publications: (PMID: 23127958, 1720305)

Labcorp Genetics (formerly Invitae), Labcorp
Classification: Uncertain significance for Sandhoff disease. Last evaluated: 2022-08-03. Review status: criteria provided, single submitter. Criteria: Invitae Variant Classification Sherloc (09022015). Collection method: clinical testing. Allele origin: germline.
Comment: This sequence change replaces tyrosine, which is neutral and polar, with serine, which is neutral and polar, at codon 456 of the HEXB protein (p.Tyr456Ser). This variant is present in population databases (rs121907982, gnomAD 0.04%). This missense change has been observed in individual(s) with Sandhoff disease (PMID: 8106452, 27021291). ClinVar contains an entry for this variant (Variation ID: 3877). Algorithms developed to predict the effect of missense changes on protein structure and function (SIFT, PolyPhen-2, Align-GVGD) all suggest that this variant is likely to be tolerated. Experimental studies are conflicting or provide insufficient evidence to determine the effect of this variant on HEXB function (PMID: 23127958). In summary, the available evidence is currently insufficient to determine the role of this variant in disease. Therefore, it has been classified as a Variant of Uncertain Significance.

Fulgent Genetics
Classification: Uncertain significance for Sandhoff disease. Last evaluated: 2021-07-28. Review status: criteria provided, single submitter. Criteria: ACMG Guidelines, 2015. Collection method: clinical testing. Allele origin: unknown.

Natera, Inc.
Classification: Uncertain significance for Sandhoff disease. Last evaluated: 2020-03-09. Review status: no assertion criteria provided. Collection method: clinical testing. Allele origin: germline. Not counted in ClinVar's aggregate classification.

Counsyl
Classification: Uncertain significance for Sandhoff disease. Last evaluated: 2017-03-01. Review status: no assertion criteria provided. Collection method: clinical testing. Allele origin: unknown. Not counted in ClinVar's aggregate classification.

OMIM
Classification: Pathogenic for SANDHOFF DISEASE, JUVENILE TYPE. Last evaluated: 1994-02-18. Review status: no assertion criteria provided. Collection method: literature only. Allele origin: germline. Not counted in ClinVar's aggregate classification.

Literature cited by the submitters: PubMed 23127958 (cited by Women's Health and Genetics/Laboratory Corporation of America, LabCorp and Labcorp Genetics (formerly Invitae), Labcorp); PubMed 1720305 (cited by 3 submitters); PubMed 8106452 (cited by 4 submitters); PubMed 27142713 (cited by Women's Health and Genetics/Laboratory Corporation of America, LabCorp); PubMed 27021291 (cited by Labcorp Genetics (formerly Invitae), Labcorp); PubMed 3014997 (cited by OMIM).

NM_000521.4(HEXB):c.1367A>C (p.Tyr456Ser)

Gene: HEXB (hexosaminidase subunit beta; plus strand). Cytogenetic location: 5q13.3.
Variant type: single nucleotide variant.
Coding change: c.1367A>C on transcript NM_000521.4 (MANE Select); coding-DNA position 1367, A replaced by C.
Protein change: p.Tyr456Ser; replaces tyrosine 456 with serine.
Molecular consequence: missense variant.
Genome position (GRCh38, 1-based): chr5:74,718,921, A>C. VCF-style: chr5-74718921-A-C. GRCh37 (hg19) VCF-style: chr5-74014746-A-C.
Other names: c.692A>C, p.Tyr231Ser (NM_001292004.2); short protein forms Y456S, Y231S.
Identifiers: ClinVar variation 3877 (VCV000003877.12), dbSNP rs121907982, ClinGen allele CA116483.